The following is an entry in ClinVar:

ClinVar aggregate classification (germline): Uncertain significance (1 of 4 stars; one submission).

Conditions:
Spinocerebellar ataxia type 6 (SCA6). Identifiers: Orphanet 98758, MedGen C0752124, MONDO:0008457, OMIM 183086.

Allele frequency attached by ClinVar (database versions not stated): gnomAD 0.00002; TOPMed 0.00002.
gnomAD v4.1: 29 of 1,378,714 alleles (0.0021%); highest among the groups gnomAD compares: Non-Finnish European, 0.00065%; no homozygotes.

Submission:

Baylor Genetics
Classification: Uncertain significance for Spinocerebellar ataxia type 6. Last evaluated: 2018-01-11. Review status: criteria provided, single submitter. Criteria: ACMG Guidelines, 2015. Collection method: clinical testing. Allele origin: unknown. Affected: yes.
Comment: This variant was determined to be of uncertain significance according to ACMG Guidelines, 2015 [PMID:25741868].

NM_001127222.2(CACNA1A):c.7067C>T (p.Thr2356Met)

Gene: CACNA1A (calcium voltage-gated channel subunit alpha1 A; minus strand). Cytogenetic location: 19p13.13.
Variant type: single nucleotide variant.
Coding change: c.7067C>T on transcript NM_001127222.2 (MANE Select); coding-DNA position 7067, C replaced by T.
Protein change: p.Thr2356Met; replaces threonine 2356 with methionine.
Molecular consequence: missense variant. On other transcripts: 3 prime UTR variant (3).
Genome position (GRCh38, 1-based): chr19:13,207,767, G>A on the plus strand (C>T on the coding strand, the complement: CACNA1A is on the minus strand). VCF-style: chr19-13207767-G-A. GRCh37 (hg19) VCF-style: chr19-13318581-G-A.
Other names: c.*279C>T (NM_000068.4, NM_001127221.2, NM_001174080.2); c.7085C>T, p.Thr2362Met (NM_023035.3); short protein forms T2362M, T2356M.
Identifiers: ClinVar variation 1031351 (VCV001031351.1), dbSNP rs780098532, ClinGen allele CA9239219.